The following is an entry in ClinVar:

ClinVar aggregate classification (germline): Uncertain significance. Review status: criteria provided, multiple submitters, no conflicts (2 of 4 stars). 2 submissions from 2 submitters: Uncertain significance (2). Last evaluated 2024-01-17.

Conditions:
Inborn genetic diseases. Identifiers: MedGen C0950123, MeSH D030342.
Nemaline myopathy 2 (NEM2). Also called: Nemaline myopathy 2, autosomal recessive. Identifiers: MedGen C1850569, MONDO:0009725, OMIM 256030.

Allele frequency attached by ClinVar (database versions not stated): TOPMed below 0.00001; ExAC 0.00002; gnomAD 0.00002.
gnomAD v4.1: 6 of 1,613,872 alleles (0.00037%); highest among the groups gnomAD compares: East Asian, 0.0045%; no homozygotes.

Submissions (2):

Labcorp Genetics (formerly Invitae), Labcorp
Classification: Uncertain significance for Nemaline myopathy 2. Last evaluated: 2024-01-17. Review status: criteria provided, single submitter. Criteria: Invitae Variant Classification Sherloc (09022015). Collection method: clinical testing. Allele origin: germline.
Comment: This sequence change replaces valine, which is neutral and non-polar, with methionine, which is neutral and non-polar, at codon 7453 of the NEB protein (p.Val7453Met). This variant is present in population databases (rs375843338, gnomAD 0.01%). This variant has not been reported in the literature in individuals affected with NEB-related conditions. ClinVar contains an entry for this variant (Variation ID: 1967851). Experimental studies and prediction algorithms are not available or were not evaluated, and the functional significance of this variant is currently unknown. In summary, the available evidence is currently insufficient to determine the role of this variant in disease. Therefore, it has been classified as a Variant of Uncertain Significance.

Ambry Genetics
Classification: Uncertain significance for Inborn genetic diseases. Last evaluated: 2023-04-18. Review status: criteria provided, single submitter. Criteria: Ambry Variant Classification Scheme 2023. Collection method: clinical testing. Allele origin: germline.

NM_001164508.2(NEB):c.22252G>A (p.Val7418Met)

Genes: RIF1 (replication timing regulatory factor 1; plus strand), NEB (nebulin; minus strand). Cytogenetic location: 2q23.3.
Variant type: single nucleotide variant.
Coding change: c.22252G>A on transcript NM_001164508.2 (MANE Select); coding-DNA position 22252, G replaced by A.
Protein change: p.Val7418Met; replaces valine 7418 with methionine.
Molecular consequence: missense variant.
Genome position (GRCh38, 1-based): chr2:151,525,183, C>T on the plus strand (G>A on the coding strand, the complement: NEB is on the minus strand). VCF-style: chr2-151525183-C-T. GRCh37 (hg19) VCF-style: chr2-152381697-C-T.
Other names: c.22252G>A, p.Val7418Met (NM_001164507.2); c.22357G>A, p.Val7453Met (NM_001271208.2); c.17149G>A, p.Val5717Met (NM_004543.5); c.17149G>A (NM_004543.4); short protein forms V5717M, V7453M, V7418M.
Identifiers: ClinVar variation 1967851 (VCV001967851.6), dbSNP rs375843338, ClinGen allele CA1906733.